The following is an entry in ClinVar:

NM_032043.3(BRIP1):c.979A>T (p.Thr327Ser)

Gene: BRIP1 (BRCA1 interacting helicase 1; minus strand). Cytogenetic location: 17q23.2.
Variant type: single nucleotide variant.
Coding change: c.979A>T on transcript NM_032043.3 (MANE Select); coding-DNA position 979, A replaced by T.
Protein change: p.Thr327Ser; replaces threonine 327 with serine.
Molecular consequence: missense variant.
Genome position (GRCh38, 1-based): chr17:61,801,414, T>A on the plus strand (A>T on the coding strand, the complement: BRIP1 is on the minus strand). VCF-style: chr17-61801414-T-A. GRCh37 (hg19) VCF-style: chr17-59878775-T-A.
Other names: short protein forms T327S.
Identifiers: ClinVar variation 929527 (VCV000929527.1), dbSNP rs2077991975, ClinGen allele CA400484188.

ClinVar aggregate classification (germline): Uncertain significance (0 of 4 stars; one submission).

Submission:

Leiden Open Variation Database
Classification: Uncertain significance. Last evaluated: 2019-08-13. Review status: no assertion criteria provided. Collection method: curation. Allele origin: germline. Affected: yes.
Comment: Curator: Arleen D. Auerbach. Submitter to LOVD: Yukihide Momozawa.

Literature cited by the submitters: PubMed 31214711.